The following is an entry in ClinVar:

NM_003924.4(PHOX2B):c.656G>A (p.Ser219Asn)

Gene: PHOX2B (paired like homeobox 2B; minus strand). Cytogenetic location: 4p13.
Variant type: single nucleotide variant.
Coding change: c.656G>A on transcript NM_003924.4 (MANE Select); coding-DNA position 656, G replaced by A.
Protein change: p.Ser219Asn; replaces serine 219 with asparagine.
Molecular consequence: missense variant.
Genome position (GRCh38, 1-based): chr4:41,746,096, C>T on the plus strand (G>A on the coding strand, the complement: PHOX2B is on the minus strand). VCF-style: chr4-41746096-C-T. GRCh37 (hg19) VCF-style: chr4-41748113-C-T.
Other names: c.656G>A (NM_003924.3); short protein forms S219N.
Identifiers: ClinVar variation 1008910 (VCV001008910.9), dbSNP rs1733887381, ClinGen allele CA356737485.

ClinVar aggregate classification (germline): Uncertain significance. Review status: criteria provided, multiple submitters, no conflicts (2 of 4 stars). 2 submissions from 2 submitters: Uncertain significance (2). Last evaluated 2025-04-11.

Conditions:
Haddad syndrome (OHD). Also called: Ondine-Hirschsprung disease. Identifiers: Orphanet 99803, MedGen C1859049, MONDO:0020493.
Hereditary cancer-predisposing syndrome. Also called: Tumor predisposition; Hereditary neoplastic syndrome; Neoplastic Syndromes, Hereditary; Hereditary Cancer Syndrome. Identifiers: Orphanet 140162, MedGen C0027672, MeSH D009386, MONDO:0015356.

Submissions (2):

Ambry Genetics
Classification: Uncertain significance for Hereditary cancer-predisposing syndrome. Last evaluated: 2025-04-11. Review status: criteria provided, single submitter. Criteria: Ambry Variant Classification Scheme 2023. Collection method: clinical testing. Allele origin: germline.
Comment: The p.S219N variant (also known as c.656G>A), located in coding exon 3 of the PHOX2B gene, results from a G to A substitution at nucleotide position 656. The serine at codon 219 is replaced by asparagine, an amino acid with highly similar properties. This amino acid position is conserved. In addition, this alteration is predicted to be tolerated by in silico analysis. Based on the available evidence, the clinical significance of this variant remains unclear.

Labcorp Genetics (formerly Invitae), Labcorp
Classification: Uncertain significance for Haddad syndrome. Last evaluated: 2020-09-11. Review status: criteria provided, single submitter. Criteria: Invitae Variant Classification Sherloc (09022015). Collection method: clinical testing. Allele origin: germline.
Comment: This sequence change replaces serine with asparagine at codon 219 of the PHOX2B protein (p.Ser219Asn). The serine residue is highly conserved and there is a small physicochemical difference between serine and asparagine. This variant is not present in population databases (ExAC no frequency). This variant has not been reported in the literature in individuals with PHOX2B-related conditions. Algorithms developed to predict the effect of missense changes on protein structure and function are either unavailable or do not agree on the potential impact of this missense change (SIFT: "Deleterious"; PolyPhen-2: "Not Available"; Align-GVGD: "Class C0"). In summary, the available evidence is currently insufficient to determine the role of this variant in disease. Therefore, it has been classified as a Variant of Uncertain Significance.